The following is an entry in ClinVar:

NM_001077350.3(NPRL3):c.1430C>T (p.Pro477Leu)

Genes: HBA-LCR (alpha-globin locus control region; plus strand), NPRL3 (NPR3 like, GATOR1 complex subunit; minus strand). Cytogenetic location: 16p13.3.
Variant type: single nucleotide variant.
Coding change: c.1430C>T on transcript NM_001077350.3 (MANE Select); coding-DNA position 1430, C replaced by T.
Protein change: p.Pro477Leu; replaces proline 477 with leucine.
Molecular consequence: missense variant.
Genome position (GRCh38, 1-based): chr16:88,812, G>A on the plus strand (C>T on the coding strand, the complement: NPRL3 is on the minus strand). VCF-style: chr16-88812-G-A. GRCh37 (hg19) VCF-style: chr16-138810-G-A.
Other names: c.893C>T, p.Pro298Leu (NM_001039476.3); c.1196C>T, p.Pro399Leu (NM_001243247.2); c.1355C>T, p.Pro452Leu (NM_001243248.2, NM_001243249.2); short protein forms P399L, P477L, P298L, P452L.
Identifiers: ClinVar variation 1395514 (VCV001395514.6), dbSNP rs2141899988, ClinGen allele CA394049005.

ClinVar aggregate classification (germline): Uncertain significance (1 of 4 stars; one submission).

Conditions:
Epilepsy, familial focal, with variable foci 3 (FFEVF3). Identifiers: MedGen C4310708, MONDO:0014925, OMIM 617118.

Submission:

Labcorp Genetics (formerly Invitae), Labcorp
Classification: Uncertain significance for Epilepsy, familial focal, with variable foci 3. Last evaluated: 2022-07-11. Review status: criteria provided, single submitter. Criteria: Invitae Variant Classification Sherloc (09022015). Collection method: clinical testing. Allele origin: germline.
Comment: In summary, the available evidence is currently insufficient to determine the role of this variant in disease. Therefore, it has been classified as a Variant of Uncertain Significance. Experimental studies and prediction algorithms are not available or were not evaluated, and the functional significance of this variant is currently unknown. ClinVar contains an entry for this variant (Variation ID: 1395514). This variant has not been reported in the literature in individuals affected with NPRL3-related conditions. This variant is not present in population databases (gnomAD no frequency). This sequence change replaces proline, which is neutral and non-polar, with leucine, which is neutral and non-polar, at codon 477 of the NPRL3 protein (p.Pro477Leu).